The following is an entry in ClinVar:

ClinVar aggregate classification (germline): Pathogenic (1 of 4 stars; one submission).

Conditions:
Familial adenomatous polyposis 1 (FAP1). Also called: FAMILIAL ADENOMATOUS POLYPOSIS 1, ATTENUATED; POLYPOSIS, ADENOMATOUS INTESTINAL. Identifiers: MedGen C2713442, MONDO:0021056, OMIM 175100. Disease mechanism: loss of function.

Submission:

Myriad Genetics, Inc.
Classification: Pathogenic for Familial adenomatous polyposis 1. Last evaluated: 2023-05-16. Review status: criteria provided, single submitter. Criteria: Myriad Autosomal Dominant, Autosomal Recessive and X-Linked Classification Criteria (2023). Collection method: clinical testing. Allele origin: unknown.
Comment: This variant is considered pathogenic. This variant creates a termination codon and is predicted to result in premature protein truncation.

NM_000038.6(APC):c.6940C>T (p.Gln2314Ter)

Gene: APC (APC regulator of Wnt signaling pathway; plus strand). Cytogenetic location: 5q22.2.
Variant type: single nucleotide variant.
Coding change: c.6940C>T on transcript NM_000038.6 (MANE Select); coding-DNA position 6940, C replaced by T.
Protein change: p.Gln2314Ter; replaces glutamine 2314 with a stop codon.
Molecular consequence: nonsense. On other transcripts: non-coding transcript variant (2).
Genome position (GRCh38, 1-based): chr5:112,842,534, C>T. VCF-style: chr5-112842534-C-T. GRCh37 (hg19) VCF-style: chr5-112178231-C-T.
Other names: c.6940C>T, p.Gln2314Ter (NM_001127510.3, NM_001354895.2, NM_001407450.1); c.6886C>T, p.Gln2296Ter (NM_001127511.3); c.6994C>T, p.Gln2332Ter (NM_001354896.2, NM_001407447.1, NM_001407448.1 and 1 more transcripts); c.6970C>T, p.Gln2324Ter (NM_001354897.2); c.6865C>T, p.Gln2289Ter (NM_001354898.2); c.6856C>T, p.Gln2286Ter (NM_001354899.2); c.6817C>T, p.Gln2273Ter (NM_001354900.2); c.6763C>T, p.Gln2255Ter (NM_001354901.2, NM_001407453.1); and 11 more; short protein forms Q1930*, Q2031*, Q2154*, Q2185*, Q2188*, Q2213*, Q2223*, Q2231*.
Identifiers: ClinVar variation 2584332 (VCV002584332.2), dbSNP rs2149976768, ClinGen allele CA16036467.
Genomic context (GRCh38, chr5:112,842,534, plus strand): 5'-GGGTCAAGTAAAGCACCTTCTAGATCAGGATCTAGAGATTCGACCCCTTCAAGACCTGCC[C>T]AGCAACCATTAAGTAGACCTATACAGTCTCCTGGCCGAAACTCAATTTCCCCTGGTAGAA-3'